The following is an entry in ClinVar:

ClinVar aggregate classification (germline): Uncertain significance. Review status: criteria provided, multiple submitters, no conflicts (2 of 4 stars). 2 submissions from 2 submitters: Uncertain significance (2). Last evaluated 2024-11-13.

Conditions:
LRP1B-related disorder. Also called: LRP1B-related condition.

gnomAD v4.1: 5 of 1,613,422 alleles (0.00031%); highest among the groups gnomAD compares: Admixed American, 0.0067%; no homozygotes.

Submissions (2):

Ambry Genetics
Classification: Uncertain significance. Last evaluated: 2024-11-13. Review status: criteria provided, single submitter. Criteria: Ambry Variant Classification Scheme 2023. Collection method: clinical testing. Allele origin: germline.

PreventionGenetics, part of Exact Sciences
Classification: Uncertain significance for LRP1B-related condition. Last evaluated: 2023-05-08. Review status: criteria provided, single submitter. Criteria: ACMG Guidelines, 2015. Collection method: clinical testing. Allele origin: germline.
Comment: The LRP1B c.2010T>A variant is predicted to result in the amino acid substitution p.Asp670Glu. To our knowledge, this variant has not been reported in the literature. This variant is reported in 0.012% of alleles in individuals of Latino descent in gnomAD. At this time, the clinical significance of this variant is uncertain due to the absence of conclusive functional and genetic evidence.

NM_018557.3(LRP1B):c.2010T>A (p.Asp670Glu)

Gene: LRP1B (LDL receptor related protein 1B; minus strand). Cytogenetic location: 2q22.1.
Variant type: single nucleotide variant.
Coding change: c.2010T>A on transcript NM_018557.3 (MANE Select); coding-DNA position 2010, T replaced by A.
Protein change: p.Asp670Glu; replaces aspartic acid 670 with glutamic acid.
Molecular consequence: missense variant.
Genome position (GRCh38, 1-based): chr2:141,015,876, A>T on the plus strand (T>A on the coding strand, the complement: LRP1B is on the minus strand). VCF-style: chr2-141015876-A-T. GRCh37 (hg19) VCF-style: chr2-141773445-A-T.
Other names: short protein forms D670E.
Identifiers: ClinVar variation 2635909 (VCV002635909.2), dbSNP rs1263318938, ClinGen allele CA348702681.